The following is an entry in ClinVar:

ClinVar aggregate classification (germline): Likely benign. Review status: criteria provided, single submitter (1 of 4 stars). 2 submissions from 2 submitters: Likely benign (1). 1 of the submissions does not count toward it. Last evaluated 2024-08-20.

Conditions:
ASXL2-related disorder. Also called: ASXL2-related condition.

Allele frequency attached by ClinVar (database versions not stated): gnomAD 0.00001; ExAC 0.00002; TOPMed 0.00002; gnomAD exomes 0.00003.
gnomAD v4.1: 38 of 1,611,974 alleles (0.0024%); highest among the groups gnomAD compares: Non-Finnish European, 0.0031%; no homozygotes.

Submissions (2):

Labcorp Genetics (formerly Invitae), Labcorp
Classification: Likely benign. Last evaluated: 2024-08-20. Review status: criteria provided, single submitter. Criteria: Invitae Variant Classification Sherloc (09022015). Collection method: clinical testing. Allele origin: germline.

PreventionGenetics, part of Exact Sciences
Classification: Likely benign for ASXL2-related condition. Last evaluated: 2020-04-29. Review status: no assertion criteria provided. Collection method: clinical testing. Allele origin: germline. Not counted in ClinVar's aggregate classification.
Comment: This variant is classified as likely benign based on ACMG/AMP sequence variant interpretation guidelines (Richards et al. 2015 PMID: 25741868, with internal and published modifications).

NM_018263.6(ASXL2):c.498A>G (p.Leu166=)

Gene: ASXL2 (ASXL transcriptional regulator 2; minus strand). Cytogenetic location: 2p23.3.
Variant type: single nucleotide variant.
Coding change: c.498A>G on transcript NM_018263.6 (MANE Select); coding-DNA position 498, A replaced by G.
Protein change: p.Leu166=; no amino-acid change (leucine 166 retained).
Molecular consequence: synonymous variant. On other transcripts: 5 prime UTR variant (1).
Genome position (GRCh38, 1-based): chr2:25,771,446, T>C on the plus strand (A>G on the coding strand, the complement: ASXL2 is on the minus strand). VCF-style: chr2-25771446-T-C. GRCh37 (hg19) VCF-style: chr2-25994315-T-C.
Other names: c.324A>G, p.Leu108= (NM_001369346.1); c.-283A>G (NM_001369347.1); c.498A>G (NM_018263.4).
Identifiers: ClinVar variation 2155353 (VCV002155353.6), dbSNP rs768734738, ClinGen allele CA1558039.
Genomic context (GRCh38, chr2:25,771,446, plus strand): 5'-TGCGTTTTAAATACAGGAAATTCTACTTGATAAATACAGACTAGCAATGCTTACCTGCTT[T>C]AGTGCCTTCTTGCTGTGCTTCTGTGATGGAGAAATGACTTTACCTGCTGGAATGGTGGGT-3'
Protein context (NP_060733.4, residues 156-176): SPSQKHSKKA[Leu166=]KQALKQQQQK